The following is an entry in ClinVar:

NM_003482.4(KMT2D):c.1459_1463del (p.Arg487fs)

Gene: KMT2D (lysine methyltransferase 2D; minus strand). Cytogenetic location: 12q13.12.
Variant type: Deletion.
Coding change: c.1459_1463del on transcript NM_003482.4 (MANE Select); coding-DNA positions 1459 to 1463, 5 bases deleted (CGGCC; older notation c.1459_1463delCGGCC).
Protein change: p.Arg487fs; shifts the reading frame from arginine 487.
Molecular consequence: frameshift variant.
Genome position (GRCh38, 1-based): chr12:49,052,220-49,052,224, GGCCG deleted on the plus strand (CGGCC on the coding strand, the reverse complement: KMT2D is on the minus strand); deleting any 5 consecutive bases within chr12:49,052,220-49,052,226 gives the same sequence; the c. name uses the placement nearest the transcript's 3' end. VCF-style (leftmost placement, unchanged base first): chr12-49052219-CGGCCG-C. GRCh37 (hg19) VCF-style: chr12-49446002-CGGCCG-C.
Other names: short protein forms R487fs.
Identifiers: ClinVar variation 4850176 (VCV004850176.1).

ClinVar aggregate classification (germline): Pathogenic (1 of 4 stars; one submission).

Conditions:
Kabuki syndrome 1 (KABUK1). Also called: KMT2D-Related Kabuki Syndrome. Identifiers: Orphanet 2322, MedGen CN030661, MONDO:0007843, OMIM 147920.

Submission:

Variantyx, Inc.
Classification: Pathogenic for Kabuki syndrome 1. Last evaluated: 2025-09-29. Review status: criteria provided, single submitter. Criteria: Variantyx Assertion Criteria 2022. Collection method: clinical testing. Allele origin: de novo. Inheritance: Autosomal dominant inheritance. Affected: yes.
Comment: This is a frameshift variant in the KMT2D gene (OMIM: 602113). Pathogenic variants in this gene have been associated with autosomal dominant Kabuki syndrome 1. This variant has not been reported in individuals with KMT2D-related disorders in the databases available for review and it is absent from control populations (PM2). It introduces a premature termination codon in exon 11 out of 5 5and is expected to result in loss of function, which is a known disease mechanism for KMT2D in this disorder or (PMID:20711175, 21671394, 21607748) (PVS1). Based on the current evidence, this variant is classified as pathogenic for autosomal dominant Kabuki syndrome 1.

Literature cited by the submitters: PubMed 20711175; PubMed 21671394; PubMed 21607748.